The following is an entry in ClinVar:

NM_000322.5(PRPH2):c.670C>A (p.Gln224Lys)

Gene: PRPH2 (peripherin 2; minus strand). Cytogenetic location: 6p21.1.
Variant type: single nucleotide variant.
Coding change: c.670C>A on transcript NM_000322.5 (MANE Select); coding-DNA position 670, C replaced by A.
Protein change: p.Gln224Lys; replaces glutamine 224 with lysine.
Molecular consequence: missense variant.
Genome position (GRCh38, 1-based): chr6:42,704,523, G>T on the plus strand (C>A on the coding strand, the complement: PRPH2 is on the minus strand). VCF-style: chr6-42704523-G-T. GRCh37 (hg19) VCF-style: chr6-42672261-G-T.
Other names: short protein forms Q224K.
Identifiers: ClinVar variation 1054989 (VCV001054989.9), dbSNP rs2152005304, ClinGen allele CA364135419.
Genomic context (GRCh38, chr6:42,704,523, plus strand): 5'-TGAGCTCCTCCGTCTGGTGGTCGTAACTGTAGTGTGCTGAGTTGTTGGTGATCTGATACT[G>T]GATGCAGGGCCGTGGCGAGCTAGGATTGCAGCAGCTGAAAGGGACGCCGTCCACCAGGTA-3'
Protein context (NP_000313.2, residues 214-234): CNPSSPRPCI[Gln224Lys]YQITNNSAHY

ClinVar aggregate classification (germline): Uncertain significance (1 of 4 stars; one submission).

Conditions:
PRPH2-related disorder. Also called: PRPH2-related condition; PRPH2-related disorders. Identifiers: MedGen CN239395.

Submission:

Labcorp Genetics (formerly Invitae), Labcorp
Classification: Uncertain significance for PRPH2-related disorder. Last evaluated: 2020-01-21. Review status: criteria provided, single submitter. Criteria: Invitae Variant Classification Sherloc (09022015). Collection method: clinical testing. Allele origin: germline.
Comment: This sequence change replaces glutamine with lysine at codon 224 of the PRPH2 protein (p.Gln224Lys). The glutamine residue is highly conserved and there is a small physicochemical difference between glutamine and lysine. This variant is not present in population databases (ExAC no frequency). This variant has not been reported in the literature in individuals with PRPH2-related conditions. Algorithms developed to predict the effect of missense changes on protein structure and function (SIFT, PolyPhen-2, Align-GVGD) all suggest that this variant is likely to be disruptive, but these predictions have not been confirmed by published functional studies and their clinical significance is uncertain. In summary, the available evidence is currently insufficient to determine the role of this variant in disease. Therefore, it has been classified as a Variant of Uncertain Significance.